The following is an entry in ClinVar:

NM_004415.4(DSP):c.6881C>G (p.Ala2294Gly)

Gene: DSP (desmoplakin; plus strand). Cytogenetic location: 6p24.3.
Variant type: single nucleotide variant.
Coding change: c.6881C>G on transcript NM_004415.4 (MANE Select); coding-DNA position 6881, C replaced by G.
Protein change: p.Ala2294Gly; replaces alanine 2294 with glycine.
Molecular consequence: missense variant.
Genome position (GRCh38, 1-based): chr6:7,584,143, C>G. VCF-style: chr6-7584143-C-G. GRCh37 (hg19) VCF-style: chr6-7584376-C-G.
Other names: p.A2294G:GCC>GGC; c.5084C>G, p.Ala1695Gly (NM_001008844.3); c.5552C>G, p.Ala1851Gly (NM_001319034.2); short protein forms A2294G, A1695G, A1851G.
Identifiers: ClinVar variation 44943 (VCV000044943.53), dbSNP rs147000526, ClinGen allele CA004685.
Genomic context (GRCh38, chr6:7,584,143, plus strand): 5'-TTTATGAGGCCATGAAAATTGGCTTAGTCCGACCTGGTACTGCTCTGGAGTTGCTGGAAG[C>G]CCAAGCAGCTACTGGCTTTATAGTGGATCCTGTTAGCAACTTGAGGTTACCAGTGGAGGA-3'
Protein context (NP_004406.2, residues 2284-2304): RPGTALELLE[Ala2294Gly]QAATGFIVDP

ClinVar aggregate classification (germline): Conflicting classifications of pathogenicity. Review status: criteria provided, conflicting classifications (1 of 4 stars). 23 submissions from 21 submitters: Uncertain significance (3); Benign (1); Likely benign (15). 4 of the submissions do not count toward it. Last evaluated 2026-08-01.

Conditions:
Cardiovascular phenotype. Identifiers: MedGen CN230736.
Arrhythmogenic right ventricular cardiomyopathy (ARVD). Also called: Arrhythmogenic Right Ventricular Cardiomyopathy (ARVC); Cardiomyopathy, ARVC; Arrhythmogenic right ventricular dysplasia; Arrhythmogenic cardiomyopathy. Identifiers: Orphanet 247, MedGen C0349788, MeSH D019571, MONDO:0016587. Disease mechanism: loss of function. Inheritance: Various modes of inheritance.
Arrhythmogenic cardiomyopathy with wooly hair and keratoderma. Also called: Carvajal syndrome; Dilated cardiomyopathy with woolly hair and keratoderma; Arrhythmogenic cardiomyopathy with woolly hair and keratoderma; PALMOPLANTAR KERATODERMA WITH LEFT VENTRICULAR CARDIOMYOPATHY AND WOOLLY HAIR. Identifiers: Orphanet 65282, MedGen C1854063, MONDO:0011581, OMIM 605676.
Arrhythmogenic right ventricular dysplasia 8 (ARVD8). Also called: Arrhythmogenic Right Ventricular Dysplasia/Cardiomyopathy 8; ARRHYTHMOGENIC RIGHT VENTRICULAR DYSPLASIA, FAMILIAL, 8; ARRHYTHMOGENIC RIGHT VENTRICULAR CARDIOMYOPATHY 8. Identifiers: MedGen C1843896, MONDO:0011831, OMIM 607450.
Cardiomyopathy (CMYO). Also called: Cardiomyopathies. Identifiers: Orphanet 167848, MedGen C0878544, MONDO:0004994, HP:0001638. Inheritance: Various modes of inheritance.
Lethal acantholytic epidermolysis bullosa (EBLA). Identifiers: Orphanet 158687, MedGen C1864826, MONDO:0012323, OMIM 609638.
Woolly hair-skin fragility syndrome (WHSF). Identifiers: Orphanet 293165, MedGen C1843292, MONDO:0957307, OMIM 620415.

Allele frequency attached by ClinVar (database versions not stated): gnomAD 0.00060 and 0.00062; ExAC 0.00085; 1000 Genomes Project 30x 0.00016; ESP Exome Variant Server 0.00023; 1000 Genomes Project 0.00020; TOPMed 0.00088; gnomAD exomes 0.00084.
gnomAD v4.1: 1,282 of 1,614,152 alleles (0.079%); highest among the groups gnomAD compares: Admixed American, 0.21%; 5 homozygotes.

Submissions (23):

CeGaT Center for Human Genetics Tuebingen
Classification: Likely benign. Last evaluated: 2026-08-01. Review status: criteria provided, single submitter. Criteria: CeGaT Center For Human Genetics Tuebingen Variant Classification Criteria Version 2. Collection method: clinical testing. Allele origin: germline. Affected: yes. Observed: 3 variant alleles.
Comment: DSP: BS2

Labcorp Genetics (formerly Invitae), Labcorp
Classification: Likely benign for Arrhythmogenic cardiomyopathy with wooly hair and keratoderma; Arrhythmogenic right ventricular dysplasia 8. Last evaluated: 2026-01-27. Review status: criteria provided, single submitter. Criteria: Invitae Variant Classification Sherloc (09022015). Collection method: clinical testing. Allele origin: germline.

Women's Health and Genetics/Laboratory Corporation of America, LabCorp
Classification: Likely benign. Last evaluated: 2025-04-22. Review status: criteria provided, single submitter. Criteria: LabCorp Variant Classification Summary - May 2015. Collection method: clinical testing. Allele origin: germline.

Molecular Diagnostic Laboratory for Inherited Cardiovascular Disease, Montreal Heart Institute
Classification: Likely benign. Last evaluated: 2025-02-17. Review status: criteria provided, single submitter. Criteria: ACMG Guidelines, 2015. Collection method: clinical testing. Allele origin: germline. Affected: no.

Blueprint Genetics
Classification: Likely benign. Last evaluated: 2024-11-20. Review status: criteria provided, single submitter. Criteria: ACMG Guidelines, 2015. Collection method: clinical testing. Allele origin: germline.

All of Us Research Program, National Institutes of Health
Classification: Likely benign for Arrhythmogenic cardiomyopathy with wooly hair and keratoderma. Last evaluated: 2024-09-23. Review status: criteria provided, single submitter. Criteria: ACMG Guidelines, 2015. Collection method: clinical testing. Allele origin: germline. Inheritance: Autosomal dominant inheritance. Observed: 240 variant alleles, 239 heterozygotes, 1 hemizygote.
Comment: This study involves interpretation of variants in research participants for the purpose of population health screening. Participant phenotype was not available at the time of variant classification. Additional details can be found in publication PMID: 35346344, PMCID: PMC8962531

CHEO Genetics Diagnostic Laboratory, Children's Hospital of Eastern Ontario
Classification: Benign for Cardiomyopathy. Last evaluated: 2021-09-28. Review status: criteria provided, single submitter. Criteria: ACMG Guidelines, 2015. Collection method: clinical testing. Allele origin: germline. Study: Canadian Open Genetics Repository.

GeneDx
Classification: Likely benign. Last evaluated: 2021-01-25. Review status: criteria provided, single submitter. Criteria: GeneDx Variant Classification Process June 2021. Collection method: clinical testing. Allele origin: germline. Affected: yes.
Comment: This variant is associated with the following publications: (PMID: 25637381, 25820315, 26314686, 27153395, 23299917, 25616645, 26498160, 23861362, 25163546, 25351510, 26899768, 27896284, 21859740, 26220970)

ARUP Laboratories, Molecular Genetics and Genomics, ARUP Laboratories
Classification: Likely benign. Last evaluated: 2019-11-14. Review status: criteria provided, single submitter. Criteria: ARUP Molecular Germline Variant Investigation Process. Collection method: clinical testing. Allele origin: germline.

Illumina Laboratory Services, Illumina
Classification: Likely benign for Arrhythmogenic right ventricular dysplasia 8. Last evaluated: 2019-05-16. Review status: criteria provided, single submitter. Criteria: ICSL Variant Classification Criteria 13 December 2019. Collection method: clinical testing. Allele origin: germline.
Comment: This variant was observed as part of a predisposition screen in an ostensibly healthy population. A literature search was performed for the gene, cDNA change, and amino acid change (where applicable). No publications were found based on this search. Allele frequency data from public databases allowed determination this variant is unlikely to cause disease. Therefore, this variant is classified as likely benign.

Illumina Laboratory Services, Illumina
Classification: Likely benign for Lethal acantholytic epidermolysis bullosa. Last evaluated: 2019-05-16. Review status: criteria provided, single submitter. Criteria: ICSL Variant Classification Criteria 13 December 2019. Collection method: clinical testing. Allele origin: germline.
Comment: the same text as in the submission from Illumina Laboratory Services, Illumina above.

Illumina Laboratory Services, Illumina
Classification: Likely benign for Arrhythmogenic cardiomyopathy with wooly hair and keratoderma. Last evaluated: 2019-05-16. Review status: criteria provided, single submitter. Criteria: ICSL Variant Classification Criteria 13 December 2019. Collection method: clinical testing. Allele origin: germline.
Comment: the same text as in the submission from Illumina Laboratory Services, Illumina above.

Center for Advanced Laboratory Medicine, UC San Diego Health, University of California San Diego
Classification: Likely benign for Cardiomyopathy. Last evaluated: 2019-01-24. Review status: criteria provided, single submitter. Criteria: ACMG Guidelines, 2015. Collection method: clinical testing. Allele origin: germline. Affected: yes. Observed: 2 variant alleles.

Ambry Genetics
Classification: Likely benign for Cardiovascular phenotype. Last evaluated: 2019-01-17. Review status: criteria provided, single submitter. Criteria: Ambry Variant Classification Scheme 2023. Collection method: clinical testing. Allele origin: germline.

Color Diagnostics, LLC DBA Color Health
Classification: Likely benign for Cardiomyopathy. Last evaluated: 2018-09-18. Review status: criteria provided, single submitter. Criteria: ACMG Guidelines, 2015. Collection method: clinical testing. Allele origin: germline.

Laboratory for Molecular Medicine, Mass General Brigham Personalized Medicine
Classification: Uncertain significance. Last evaluated: 2017-01-10. Review status: criteria provided, single submitter. Criteria: LMM Criteria. Collection method: clinical testing. Allele origin: germline. Observed: 1 variant allele.
Comment: proposed classification - variant undergoing re-assessment, contact laboratory

CSER _CC_NCGL, University of Washington
Classification: Likely benign for Arrhythmogenic right ventricular cardiomyopathy. Last evaluated: 2015-12-01. Review status: criteria provided, single submitter. Criteria: Amendola et al. (Genome Res. 2015). Collection method: research. Allele origin: germline. Inheritance: Autosomal dominant inheritance. Study: ESP 6500 variant annotation.
Comment: Variants classified for the Actionable exomic incidental findings in 6503 participants: challenges of variant classification manuscript

Stanford Center for Inherited Cardiovascular Disease, Stanford University
Classification: Uncertain significance. Last evaluated: 2013-11-26. Review status: criteria provided, single submitter. Criteria: ACMG Guidelines, 2015. Collection method: provider interpretation. Allele origin: germline.

Biesecker Lab/Clinical Genomics Section, National Institutes of Health
Classification: Uncertain significance. Last evaluated: 2013-06-24. Review status: criteria provided, single submitter. Criteria: Ng et al. (Circ Cardiovasc Genet. 2013). Collection method: research. Allele origin: unknown. Observed: 1 variant allele. Study: ClinSeq.
Comment: The study set was not selected for affection status in relation to any cancer. Pathogenicity categories were based on literature curation. See Pubmed ID:23861362 for details.

Medical sequencing

Clinical Genetics DNA and cytogenetics Diagnostics Lab, Erasmus MC, Erasmus Medical Center
Classification: Likely benign. Review status: no assertion criteria provided. Collection method: clinical testing. Allele origin: germline. Affected: yes. Study: VKGL Data-share Consensus. Not counted in ClinVar's aggregate classification.

Clinical Genetics, Academic Medical Center
Classification: Likely benign. Review status: no assertion criteria provided. Collection method: clinical testing. Allele origin: germline. Affected: yes. Study: VKGL Data-share Consensus. Not counted in ClinVar's aggregate classification.

Genome Diagnostics Laboratory, University Medical Center Utrecht
Classification: Likely benign. Review status: no assertion criteria provided. Collection method: clinical testing. Allele origin: germline. Affected: yes. Study: VKGL Data-share Consensus. Not counted in ClinVar's aggregate classification.

Joint Genome Diagnostic Labs from Nijmegen and Maastricht, Radboudumc and MUMC+
Classification: Likely benign. Review status: no assertion criteria provided. Collection method: clinical testing. Allele origin: germline. Affected: yes. Study: VKGL Data-share Consensus. Not counted in ClinVar's aggregate classification.

Literature cited by the submitters: PubMed 21859740 (cited by Ambry Genetics and Laboratory for Molecular Medicine, Mass General Brigham Personalized Medicine); PubMed 26498160 (cited by Ambry Genetics); PubMed 26899768 (cited by Ambry Genetics); PubMed 27153395 (cited by Ambry Genetics).